The following is an entry in ClinVar:

NM_001204.7(BMPR2):c.1348C>T (p.Gln450Ter)

Gene: BMPR2 (bone morphogenetic protein receptor type 2; plus strand). Cytogenetic location: 2q33.2.
Variant type: single nucleotide variant.
Coding change: c.1348C>T on transcript NM_001204.7 (MANE Select); coding-DNA position 1348, C replaced by T.
Protein change: p.Gln450Ter; replaces glutamine 450 with a stop codon.
Molecular consequence: nonsense.
Genome position (GRCh38, 1-based): chr2:202,542,382, C>T. VCF-style: chr2-202542382-C-T. GRCh37 (hg19) VCF-style: chr2-203407105-C-T.
Other names: c.1348C>T, p.Q450* (LRG_712t1); short protein forms Q450*.
Identifiers: ClinVar variation 425927 (VCV000425927.5), dbSNP rs868369541, ClinGen allele CA64034679.

ClinVar aggregate classification (germline): Pathogenic. Review status: criteria provided, single submitter (1 of 4 stars). 2 submissions from 2 submitters: Pathogenic (1). 1 of the submissions does not count toward it. Last evaluated 2022-04-28.

Conditions:
Pulmonary hypertension, primary, 1 (PPH1). Also called: Pulmonary hypertension, familial primary, 1, with or without HHT. Identifiers: Orphanet 422, MedGen C4552070, MONDO:0024533, OMIM 178600.
Primary pulmonary hypertension. Also called: Idiopathic pulmonary hypertension. Identifiers: MedGen C0152171.

Submissions (2):

Labcorp Genetics (formerly Invitae), Labcorp
Classification: Pathogenic for Primary pulmonary hypertension. Last evaluated: 2022-04-28. Review status: criteria provided, single submitter. Criteria: Invitae Variant Classification Sherloc (09022015). Collection method: clinical testing. Allele origin: germline.
Comment: This premature translational stop signal has been observed in individual(s) with pulmonary arterial hypertension (PMID: 15591269). This variant is not present in population databases (gnomAD no frequency). This sequence change creates a premature translational stop signal (p.Gln450*) in the BMPR2 gene. It is expected to result in an absent or disrupted protein product. Loss-of-function variants in BMPR2 are known to be pathogenic (PMID: 16429395). ClinVar contains an entry for this variant (Variation ID: 425927). For these reasons, this variant has been classified as Pathogenic.

Rare Disease Genomics Group, St George's University of London
Classification: Pathogenic for Primary pulmonary hypertension. Review status: no assertion criteria provided. Collection method: literature only. Allele origin: germline. Affected: yes. Not counted in ClinVar's aggregate classification.

Literature cited by the submitters: PubMed 15591269 (cited by Labcorp Genetics (formerly Invitae), Labcorp and Rare Disease Genomics Group, St George's University of London); PubMed 16429395 (cited by Labcorp Genetics (formerly Invitae), Labcorp); PubMed 20534176 (cited by Rare Disease Genomics Group, St George's University of London); PubMed 21801371 (cited by Rare Disease Genomics Group, St George's University of London).